The following is an entry in ClinVar:

NM_001267550.2(TTN):c.4727A>C (p.Lys1576Thr)

Genes: TTN (titin; minus strand), LOC101927055 (uncharacterized LOC101927055; plus strand). Cytogenetic location: 2q31.2.
Variant type: single nucleotide variant.
Coding change: c.4727A>C on transcript NM_001267550.2 (MANE Select); coding-DNA position 4727, A replaced by C.
Protein change: p.Lys1576Thr; replaces lysine 1576 with threonine.
Molecular consequence: missense variant. On other transcripts: non-coding transcript variant (1).
Genome position (GRCh38, 1-based): chr2:178,777,236, T>G on the plus strand (A>C on the coding strand, the complement: TTN is on the minus strand). VCF-style: chr2-178777236-T-G. GRCh37 (hg19) VCF-style: chr2-179641963-T-G.
Other names: c.4727A>C, p.Lys1576Thr (NM_133378.4, NM_001256850.1, NM_133379.5); c.4589A>C, p.Lys1530Thr (NM_003319.4, NM_133432.3, NM_133437.4); short protein forms K1576T, K1530T.
Identifiers: ClinVar variation 192084 (VCV000192084.1), dbSNP rs201686366, ClinGen allele CA238289.

ClinVar aggregate classification (germline): Uncertain significance (1 of 4 stars; one submission).

Allele frequency attached by ClinVar (database versions not stated): gnomAD exomes below 0.00001; ExAC 0.00001.
gnomAD v4.1: 1 of 1,614,056 alleles (0.000062%); highest among the groups gnomAD compares: Non-Finnish European, 0.000085%; no homozygotes.

Submission:

Biesecker Lab/Clinical Genomics Section, National Institutes of Health
Classification: Uncertain significance. Last evaluated: 2013-06-24. Review status: criteria provided, single submitter. Criteria: Ng et al. (Circ Cardiovasc Genet. 2013). Collection method: research. Allele origin: unknown. Observed: 1 variant allele. Study: ClinSeq.
Comment: The study set was not selected for affection status in relation to any cancer. Pathogenicity categories were based on literature curation. See Pubmed ID:23861362 for details.

Medical sequencing